The following is an entry in ClinVar:

NM_004304.5(ALK):c.2116C>T (p.Gln706Ter)

Gene: ALK (ALK receptor tyrosine kinase; minus strand). Cytogenetic location: 2p23.2.
Variant type: single nucleotide variant.
Coding change: c.2116C>T on transcript NM_004304.5 (MANE Select); coding-DNA position 2116, C replaced by T.
Protein change: p.Gln706Ter; replaces glutamine 706 with a stop codon.
Molecular consequence: nonsense.
Genome position (GRCh38, 1-based): chr2:29,251,193, G>A on the plus strand (C>T on the coding strand, the complement: ALK is on the minus strand). VCF-style: chr2-29251193-G-A. GRCh37 (hg19) VCF-style: chr2-29474059-G-A.
Other names: short protein forms Q706*.
Identifiers: ClinVar variation 2696796 (VCV002696796.3), dbSNP rs1664807554, ClinGen allele CA346476994.
Genomic context (GRCh38, chr2:29,251,193, plus strand): 5'-AGATCTGGATGCCTTTCAGGGGGCCCTCGCTCCCCACCTCCACGCTCAGGTTGGAGTTCT[G>A]GTAGGCGTTGTTGCACTGTGCCTGGGTGGGGCCATGGGGCCCGCTGGCCCCACATGTGGT-3'

ClinVar aggregate classification (germline): Uncertain significance (1 of 4 stars; one submission).

Conditions:
Neuroblastoma, susceptibility to, 3. Also called: ALK-Related Neuroblastic Tumor Susceptibility. Identifiers: Orphanet 635, MedGen C2751681, MONDO:0013083, OMIM 613014.

Submission:

Labcorp Genetics (formerly Invitae), Labcorp
Classification: Uncertain significance for Neuroblastoma, susceptibility to, 3. Last evaluated: 2023-11-17. Review status: criteria provided, single submitter. Criteria: Invitae Variant Classification Sherloc (09022015). Collection method: clinical testing. Allele origin: germline.
Comment: This sequence change creates a premature translational stop signal (p.Gln706*) in the ALK gene. It is expected to result in an absent or disrupted protein product. However, the current clinical and genetic evidence is not sufficient to establish whether loss-of-function variants in ALK cause disease. This variant is not present in population databases (gnomAD no frequency). This variant has not been reported in the literature in individuals affected with ALK-related conditions. In summary, the available evidence is currently insufficient to determine the role of this variant in disease. Therefore, it has been classified as a Variant of Uncertain Significance.